The following is an entry in ClinVar:

NM_014141.6(CNTNAP2):c.2011C>T (p.Gln671Ter)

Gene: CNTNAP2 (contactin associated protein 2; plus strand). Cytogenetic location: 7q35.
Variant type: single nucleotide variant.
Coding change: c.2011C>T on transcript NM_014141.6 (MANE Select); coding-DNA position 2011, C replaced by T.
Protein change: p.Gln671Ter; replaces glutamine 671 with a stop codon.
Molecular consequence: nonsense.
Genome position (GRCh38, 1-based): chr7:147,639,219, C>T. VCF-style: chr7-147639219-C-T. GRCh37 (hg19) VCF-style: chr7-147336311-C-T.
Other names: short protein forms Q671*.
Identifiers: ClinVar variation 1398096 (VCV001398096.6), dbSNP rs2116924115, ClinGen allele CA369926288.

ClinVar aggregate classification (germline): Pathogenic (1 of 4 stars; one submission).

Conditions:
Cortical dysplasia-focal epilepsy syndrome (PTHSL1). Also called: Pitt-Hopkins-like syndrome 1. Identifiers: Orphanet 163681, Orphanet 221150, MedGen C2750246, MONDO:0012400, OMIM 610042.

Submission:

Labcorp Genetics (formerly Invitae), Labcorp
Classification: Pathogenic for Cortical dysplasia-focal epilepsy syndrome. Last evaluated: 2024-10-15. Review status: criteria provided, single submitter. Criteria: Invitae Variant Classification Sherloc (09022015). Collection method: clinical testing. Allele origin: germline.
Comment: This sequence change creates a premature translational stop signal (p.Gln671*) in the CNTNAP2 gene. It is expected to result in an absent or disrupted protein product. Loss-of-function variants in CNTNAP2 are known to be pathogenic (PMID: 19896112, 21827697, 25045150, 26843181, 27439707). This variant is not present in population databases (gnomAD no frequency). This variant has not been reported in the literature in individuals affected with CNTNAP2-related conditions. ClinVar contains an entry for this variant (Variation ID: 1398096). For these reasons, this variant has been classified as Pathogenic.

Literature cited by the submitters: PubMed 19896112; PubMed 21827697; PubMed 25045150; PubMed 26843181; PubMed 27439707.